The following is an entry in ClinVar:

ClinVar aggregate classification (germline): Uncertain significance (1 of 4 stars; one submission).

Submission:

Labcorp Genetics (formerly Invitae), Labcorp
Classification: Uncertain significance. Last evaluated: 2026-01-21. Review status: criteria provided, single submitter. Criteria: Invitae Variant Classification Sherloc (09022015). Collection method: clinical testing. Allele origin: germline.
Comment: This variant, c.1450_1455del, results in the deletion of 2 amino acid(s) of the FGFRL1 protein (p.Thr484_His485del), but otherwise preserves the integrity of the reading frame. The frequency data for this variant in the population databases is considered unreliable, as metrics indicate poor data quality at this position in the gnomAD database. This variant has not been reported in the literature in individuals affected with FGFRL1-related conditions. Experimental studies and prediction algorithms are not available or were not evaluated, and the functional significance of this variant is currently unknown. In summary, the available evidence is currently insufficient to determine the role of this variant in disease. Therefore, it has been classified as a Variant of Uncertain Significance.

NM_001004356.3(FGFRL1):c.1450_1455del (p.480TH[2])

Gene: FGFRL1 (fibroblast growth factor receptor like 1; plus strand). Cytogenetic location: 4p16.3.
Variant type: Microsatellite.
Coding change: c.1450_1455del on transcript NM_001004356.3 (MANE Select); coding-DNA positions 1450 to 1455, 6 bases deleted (ACACAC; older notation c.1450_1455delACACAC).
Protein change: p.480TH[2].
Molecular consequence: inframe deletion.
Genome position (GRCh38, 1-based): chr4:1,025,282-1,025,287, ACACAC deleted; deleting any 6 consecutive bases within chr4:1,025,267-1,025,287 gives the same sequence; the c. name uses the placement nearest the transcript's 3' end. VCF-style (leftmost placement, unchanged base first): chr4-1025266-CCACACA-C. GRCh37 (hg19) VCF-style: chr4-1019054-CCACACA-C.
Other names: c.1450_1455del, p.480TH[2] (NM_001004358.1, NM_001370296.1, NM_021923.3).
Identifiers: ClinVar variation 4752138 (VCV004752138.1).